The following is an entry in ClinVar:

NM_020821.3(VPS13C):c.11127A>C (p.Arg3709=)

Gene: VPS13C (vacuolar protein sorting 13 homolog C; minus strand). Cytogenetic location: 15q22.2.
Variant type: single nucleotide variant.
Coding change: c.11127A>C on transcript NM_020821.3 (MANE Select); coding-DNA position 11127, A replaced by C.
Protein change: p.Arg3709=; no amino-acid change (arginine 3709 retained).
Molecular consequence: synonymous variant.
Genome position (GRCh38, 1-based): chr15:61,854,904, T>G on the plus strand (A>C on the coding strand, the complement: VPS13C is on the minus strand). VCF-style: chr15-61854904-T-G. GRCh37 (hg19) VCF-style: chr15-62147103-T-G.
Other names: p.Arg3709=; c.10998A>C, p.Arg3666= (NM_017684.5).
Identifiers: ClinVar variation 1617027 (VCV001617027.9), dbSNP rs2140828531, ClinGen allele CA490640575.

ClinVar aggregate classification (germline): Likely benign. Review status: criteria provided, multiple submitters, no conflicts (2 of 4 stars). 2 submissions from 2 submitters: Likely benign (2). Last evaluated 2025-05-12.

Submissions (2):

Mayo Clinic Laboratories, Mayo Clinic
Classification: Likely benign. Last evaluated: 2025-05-12. Review status: criteria provided, single submitter. Criteria: ACMG Guidelines, 2015. Collection method: clinical testing. Allele origin: germline. Observed: 1 variant allele.
Comment: BP4, BP7

Labcorp Genetics (formerly Invitae), Labcorp
Classification: Likely benign. Last evaluated: 2021-11-13. Review status: criteria provided, single submitter. Criteria: Invitae Variant Classification Sherloc (09022015). Collection method: clinical testing. Allele origin: germline.